The following is an entry in ClinVar:

ClinVar aggregate classification (germline): Likely benign. Review status: criteria provided, multiple submitters, no conflicts (2 of 4 stars). 3 submissions from 3 submitters: Likely benign (3). Last evaluated 2025-05-19.

Conditions:
LRP5-related disorder. Also called: LRP5-related condition.

Allele frequency attached by ClinVar (database versions not stated): gnomAD 0.00001 and 0.00002; gnomAD exomes 0.00004 and 0.00016; ExAC 0.00005; TOPMed 0.00005; ESP Exome Variant Server 0.00008.
gnomAD v4.1: 219 of 1,603,940 alleles (0.014%); highest among the groups gnomAD compares: Non-Finnish European, 0.018%; no homozygotes.

Submissions (3):

PreventionGenetics, part of Exact Sciences
Classification: Likely benign for LRP5-related condition. Last evaluated: 2025-05-19. Review status: criteria provided, single submitter. Criteria: ACMG Guidelines, 2015. Collection method: clinical testing. Allele origin: germline.
Comment: This variant is classified as likely benign based on ACMG/AMP sequence variant interpretation guidelines (Richards et al. 2015 PMID: 25741868, with internal and published modifications).

Labcorp Genetics (formerly Invitae), Labcorp
Classification: Likely benign. Last evaluated: 2025-03-04. Review status: criteria provided, single submitter. Criteria: Invitae Variant Classification Sherloc (09022015). Collection method: clinical testing. Allele origin: germline.

Blueprint Genetics
Classification: Likely benign. Last evaluated: 2024-06-20. Review status: criteria provided, single submitter. Criteria: ACMG Guidelines, 2015. Collection method: clinical testing. Allele origin: germline.

NM_002335.4(LRP5):c.2814C>T (p.Ser938=)

Gene: LRP5 (LDL receptor related protein 5; plus strand). Cytogenetic location: 11q13.2.
Variant type: single nucleotide variant.
Coding change: c.2814C>T on transcript NM_002335.4 (MANE Select); coding-DNA position 2814, C replaced by T.
Protein change: p.Ser938=; no amino-acid change (serine 938 retained).
Molecular consequence: synonymous variant.
Genome position (GRCh38, 1-based): chr11:68,413,999, C>T. VCF-style: chr11-68413999-C-T. GRCh37 (hg19) VCF-style: chr11-68181467-C-T.
Other names: c.1071C>T, p.Ser357= (NM_001291902.2).
Identifiers: ClinVar variation 798284 (VCV000798284.12), dbSNP rs376937882, ClinGen allele CA6149747.